The following is an entry in ClinVar:

NM_005148.4(UNC119):c.437+1G>A

Gene: UNC119 (unc-119 lipid binding chaperone; minus strand). Cytogenetic location: 17q11.2.
Variant type: single nucleotide variant.
Coding change: c.437+1G>A on transcript NM_005148.4 (MANE Select); the canonical splice donor site of the intron after coding-DNA position 437, G replaced by A.
Molecular consequence: splice donor variant.
Genome position (GRCh38, 1-based): chr17:28,547,998, C>T on the plus strand (G>A on the coding strand, the complement: UNC119 is on the minus strand). VCF-style: chr17-28547998-C-T. GRCh37 (hg19) VCF-style: chr17-26875016-C-T.
Other names: c.437+1G>A (NM_054035.2); c.152+1G>A (NM_001330166.2).
Identifiers: ClinVar variation 953278 (VCV000953278.8), dbSNP rs761866874, ClinGen allele CA8459801.

ClinVar aggregate classification (germline): Uncertain significance (1 of 4 stars; one submission).

Allele frequency attached by ClinVar (database versions not stated): gnomAD exomes below 0.00001 and 0.00001; TOPMed below 0.00001; ExAC 0.00001.

Submissions (2):

Labcorp Genetics (formerly Invitae), Labcorp
Classification: Uncertain significance. Last evaluated: 2026-01-30. Review status: criteria provided, single submitter. Criteria: Invitae Variant Classification Sherloc (09022015). Collection method: clinical testing. Allele origin: germline.
Comment: This sequence change affects a donor splice site in intron 3 of the UNC119 gene. It is expected to disrupt RNA splicing. Variants that disrupt the donor or acceptor splice site typically lead to a loss of protein function (PMID: 16199547), however the current clinical and genetic evidence is not sufficient to establish whether loss-of-function variants in UNC119 cause disease. This variant is present in population databases (rs761866874, gnomAD 0.003%). This variant has not been reported in the literature in individuals affected with UNC119-related conditions. ClinVar contains an entry for this variant (Variation ID: 953278). Algorithms developed to predict the effect of sequence changes on RNA splicing suggest that this variant may disrupt the consensus splice site. In summary, the available evidence is currently insufficient to determine the role of this variant in disease. Therefore, it has been classified as a Variant of Uncertain Significance.

Dr. Peter K. Rogan Lab, Western University
No classification provided (evidence only). Condition: Glioma susceptibility 1. Review status: no classification provided. Collection method: in vitro. Allele origin: not applicable. Functional consequence: skipped exon. Not counted in ClinVar's aggregate classification.

Literature cited by the submitters: PubMed 16199547 (cited by Labcorp Genetics (formerly Invitae), Labcorp).